The following is an entry in ClinVar:

ClinVar aggregate classification (germline): Uncertain significance (1 of 4 stars; one submission).

Allele frequency attached by ClinVar (database versions not stated): TOPMed below 0.00001; gnomAD exomes 0.00001.

Submission:

Labcorp Genetics (formerly Invitae), Labcorp
Classification: Uncertain significance. Last evaluated: 2022-11-08. Review status: criteria provided, single submitter. Criteria: Invitae Variant Classification Sherloc (09022015). Collection method: clinical testing. Allele origin: germline.
Comment: In summary, the available evidence is currently insufficient to determine the role of this variant in disease. Therefore, it has been classified as a Variant of Uncertain Significance. Algorithms developed to predict the effect of missense changes on protein structure and function are either unavailable or do not agree on the potential impact of this missense change (SIFT: "Tolerated"; PolyPhen-2: "Possibly Damaging"; Align-GVGD: "Class C0"). ClinVar contains an entry for this variant (Variation ID: 1369560). This variant has not been reported in the literature in individuals affected with PCNT-related conditions. This variant is not present in population databases (gnomAD no frequency). This sequence change replaces alanine, which is neutral and non-polar, with glycine, which is neutral and non-polar, at codon 1889 of the PCNT protein (p.Ala1889Gly).

NM_006031.6(PCNT):c.5666C>G (p.Ala1889Gly)

Gene: PCNT (pericentrin; plus strand). Cytogenetic location: 21q22.3.
Variant type: single nucleotide variant.
Coding change: c.5666C>G on transcript NM_006031.6 (MANE Select); coding-DNA position 5666, C replaced by G.
Protein change: p.Ala1889Gly; replaces alanine 1889 with glycine.
Molecular consequence: missense variant.
Genome position (GRCh38, 1-based): chr21:46,411,739, C>G. VCF-style: chr21-46411739-C-G. GRCh37 (hg19) VCF-style: chr21-47831653-C-G.
Other names: c.5312C>G, p.Ala1771Gly (NM_001315529.2); short protein forms A1771G, A1889G.
Identifiers: ClinVar variation 1369560 (VCV001369560.6), dbSNP rs2086791746, ClinGen allele CA410555790.